The following is an entry in ClinVar:

NM_000170.3(GLDC):c.1917G>A (p.Gly639=)

Gene: GLDC (glycine decarboxylase; minus strand). Cytogenetic location: 9p24.1.
Variant type: single nucleotide variant.
Coding change: c.1917G>A on transcript NM_000170.3 (MANE Select); coding-DNA position 1917, G replaced by A.
Protein change: p.Gly639=; no amino-acid change (glycine 639 retained).
Molecular consequence: synonymous variant.
Genome position (GRCh38, 1-based): chr9:6,565,363, C>T on the plus strand (G>A on the coding strand, the complement: GLDC is on the minus strand). VCF-style: chr9-6565363-C-T. GRCh37 (hg19) VCF-style: chr9-6565363-C-T.
Other names: c.1917G>A (NM_000170.2).
Identifiers: ClinVar variation 1077565 (VCV001077565.14), dbSNP rs776998782, ClinGen allele CA4980485.

ClinVar aggregate classification (germline): Likely benign. Review status: criteria provided, single submitter (1 of 4 stars). 3 submissions from 3 submitters: Likely benign (1). 2 of the submissions do not count toward it. Last evaluated 2025-08-24.

Conditions:
GLDC-related disorder. Also called: GLDC-related condition.
Glycine encephalopathy. Also called: Nonketotic hyperglycinemia; Non-ketotic hyperglycinemia. Identifiers: Orphanet 407, MedGen C0751748, MONDO:0011612, HP:0008288.

Allele frequency attached by ClinVar (database versions not stated): ExAC 0.00002; gnomAD exomes 0.00002; TOPMed 0.00002; gnomAD 0.00001.
gnomAD v4.1: 7 of 1,611,864 alleles (0.00043%); highest among the groups gnomAD compares: Admixed American, 0.0083%; no homozygotes.

Submissions (3):

Labcorp Genetics (formerly Invitae), Labcorp
Classification: Likely benign for Glycine encephalopathy. Last evaluated: 2025-08-24. Review status: criteria provided, single submitter. Criteria: Invitae Variant Classification Sherloc (09022015). Collection method: clinical testing. Allele origin: germline.

Natera, Inc.
Classification: Likely benign for Non-ketotic hyperglycinemia. Last evaluated: 2021-08-02. Review status: no assertion criteria provided. Collection method: clinical testing. Allele origin: germline. Not counted in ClinVar's aggregate classification.

PreventionGenetics, part of Exact Sciences
Classification: Likely benign for GLDC-related condition. Last evaluated: 2019-02-18. Review status: no assertion criteria provided. Collection method: clinical testing. Allele origin: germline. Not counted in ClinVar's aggregate classification.
Comment: This variant is classified as likely benign based on ACMG/AMP sequence variant interpretation guidelines (Richards et al. 2015 PMID: 25741868, with internal and published modifications).